The following is an entry in ClinVar:

ClinVar aggregate classification (germline): Uncertain significance. Review status: criteria provided, multiple submitters, no conflicts (2 of 4 stars). 2 submissions from 2 submitters: Uncertain significance (2). Last evaluated 2025-10-16.

Conditions:
Inborn genetic diseases. Identifiers: MedGen C0950123, MeSH D030342.

Allele frequency attached by ClinVar (database versions not stated): gnomAD 0.00005; gnomAD exomes 0.00005; TOPMed 0.00005; ESP Exome Variant Server 0.00008; ExAC 0.00009.
gnomAD v4.1: 82 of 1,550,168 alleles (0.0053%); highest among the groups gnomAD compares: Non-Finnish European, 0.0016%; no homozygotes.

Submissions (2):

Labcorp Genetics (formerly Invitae), Labcorp
Classification: Uncertain significance. Last evaluated: 2025-10-16. Review status: criteria provided, single submitter. Criteria: Invitae Variant Classification Sherloc (09022015). Collection method: clinical testing. Allele origin: germline.
Comment: This sequence change replaces asparagine, which is neutral and polar, with serine, which is neutral and polar, at codon 52 of the RIPK1 protein (p.Asn52Ser). This variant is present in population databases (rs149949748, gnomAD 0.2%). This variant has not been reported in the literature in individuals affected with RIPK1-related conditions. ClinVar contains an entry for this variant (Variation ID: 2164101). An algorithm developed to predict the effect of missense changes on protein structure and function (PolyPhen-2) suggests that this variant is likely to be tolerated. In summary, the available evidence is currently insufficient to determine the role of this variant in disease. Therefore, it has been classified as a Variant of Uncertain Significance.

Ambry Genetics
Classification: Uncertain significance for Inborn genetic diseases. Last evaluated: 2023-03-01. Review status: criteria provided, single submitter. Criteria: Ambry Variant Classification Scheme 2023. Collection method: clinical testing. Allele origin: germline.

NM_001354930.2(RIPK1):c.155A>G (p.Asn52Ser)

Gene: RIPK1 (receptor interacting serine/threonine kinase 1; plus strand). Cytogenetic location: 6p25.2.
Variant type: single nucleotide variant.
Coding change: c.155A>G on transcript NM_001354930.2 (MANE Select); coding-DNA position 155, A replaced by G.
Protein change: p.Asn52Ser; replaces asparagine 52 with serine.
Molecular consequence: missense variant. On other transcripts: 5 prime UTR variant (4).
Genome position (GRCh38, 1-based): chr6:3,076,978, A>G. VCF-style: chr6-3076978-A-G. GRCh37 (hg19) VCF-style: chr6-3077212-A-G.
Other names: c.155A>G (NM_003804.3); c.-449A>G (NM_001317061.3, NM_001354932.2, NM_001354933.2 and 1 more transcripts); c.155A>G, p.Asn52Ser (NM_001354931.2, NM_003804.6); short protein forms N52S.
Identifiers: ClinVar variation 2164101 (VCV002164101.6), dbSNP rs149949748, ClinGen allele CA3618072.